The following is an entry in ClinVar:

ClinVar aggregate classification (germline): Conflicting classifications of pathogenicity. Review status: criteria provided, conflicting classifications (1 of 4 stars). 5 submissions from 5 submitters: Uncertain significance (1); Likely benign (4). Last evaluated 2025-10-02.

Conditions:
Inborn genetic diseases. Identifiers: MedGen C0950123, MeSH D030342.
Charcot-Marie-Tooth disease. Also called: Charcot-Marie-Tooth Hereditary Neuropathy; Charcot-Marie-Tooth Neuropathy. Identifiers: Orphanet 166, MedGen C0007959, MONDO:0015626.
Charcot-Marie-Tooth disease type 4A. Also called: Charcot-Marie-Tooth disease, demyelinating, autosomal recessive, type 4a. Identifiers: Orphanet 99948, MedGen C1859198, MONDO:0008961, OMIM 214400.

Allele frequency attached by ClinVar (database versions not stated): gnomAD exomes 0.00010 and 0.00016; ExAC 0.00022; 1000 Genomes Project 0.00040; 1000 Genomes Project 30x 0.00047; gnomAD 0.00053 and 0.00057; ESP Exome Variant Server 0.00054; TOPMed 0.00064.
gnomAD v4.1: 229 of 1,613,890 alleles (0.014%); highest among the groups gnomAD compares: African/African-American, 0.17%; no homozygotes.

Submissions (5):

Labcorp Genetics (formerly Invitae), Labcorp
Classification: Likely benign for Charcot-Marie-Tooth disease type 4A. Last evaluated: 2025-10-02. Review status: criteria provided, single submitter. Criteria: Invitae Variant Classification Sherloc (09022015). Collection method: clinical testing. Allele origin: germline.

CeGaT Center for Human Genetics Tuebingen
Classification: Likely benign. Last evaluated: 2025-06-01. Review status: criteria provided, single submitter. Criteria: CeGaT Center For Human Genetics Tuebingen Variant Classification Criteria Version 2. Collection method: clinical testing. Allele origin: germline. Affected: yes. Observed: 1 variant allele.
Comment: GDAP1: BP4, BP7

Women's Health and Genetics/Laboratory Corporation of America, LabCorp
Classification: Likely benign. Last evaluated: 2024-12-09. Review status: criteria provided, single submitter. Criteria: LabCorp Variant Classification Summary - May 2015. Collection method: clinical testing. Allele origin: germline.

Ambry Genetics
Classification: Likely benign for Inborn genetic diseases. Last evaluated: 2019-07-11. Review status: criteria provided, single submitter. Criteria: Ambry Variant Classification Scheme 2023. Collection method: clinical testing. Allele origin: germline.

Molecular Genetics Laboratory, London Health Sciences Centre
Classification: Uncertain significance for Charcot-Marie-Tooth disease. Review status: criteria provided, single submitter. Criteria: ACMG Guidelines, 2015. Collection method: clinical testing. Allele origin: germline. Affected: yes.

NM_018972.4(GDAP1):c.459G>A (p.Pro153=)

Gene: GDAP1 (ganglioside induced differentiation associated protein 1; plus strand). Cytogenetic location: 8q21.11.
Variant type: single nucleotide variant.
Coding change: c.459G>A on transcript NM_018972.4 (MANE Select); coding-DNA position 459, G replaced by A.
Protein change: p.Pro153=; no amino-acid change (proline 153 retained).
Molecular consequence: synonymous variant. On other transcripts: intron variant (1).
Genome position (GRCh38, 1-based): chr8:74,360,285, G>A. VCF-style: chr8-74360285-G-A. GRCh37 (hg19) VCF-style: chr8-75272520-G-A.
Other names: c.255G>A, p.Pro85= (NM_001040875.4); c.132G>A, p.Pro44= (NM_001362929.2, NM_001362932.2); c.459G>A, p.Pro153= (NM_001362931.2); c.311-1599G>A (NM_001362930.2).
Identifiers: ClinVar variation 467762 (VCV000467762.24), dbSNP rs149804782, ClinGen allele CA4785104.